The following is an entry in ClinVar:

NM_000264.5(PTCH1):c.896C>T (p.Pro299Leu)

Gene: PTCH1 (patched 1; minus strand). Cytogenetic location: 9q22.32.
Variant type: single nucleotide variant.
Coding change: c.896C>T on transcript NM_000264.5 (MANE Select); coding-DNA position 896, C replaced by T.
Protein change: p.Pro299Leu; replaces proline 299 with leucine.
Molecular consequence: missense variant. On other transcripts: non-coding transcript variant (1).
Genome position (GRCh38, 1-based): chr9:95,480,439, G>A on the plus strand (C>T on the coding strand, the complement: PTCH1 is on the minus strand). VCF-style: chr9-95480439-G-A. GRCh37 (hg19) VCF-style: chr9-98242721-G-A.
Other names: c.698C>T, p.Pro233Leu (NM_001083602.3); c.893C>T, p.Pro298Leu (NM_001083603.3); c.443C>T, p.Pro148Leu (NM_001083604.3, NM_001083605.3, NM_001083606.3 and 1 more transcripts); c.896C>T, p.Pro299Leu (NM_001354918.2); short protein forms P233L, P299L, P148L, P298L.
Identifiers: ClinVar variation 409201 (VCV000409201.20), dbSNP rs141939274, ClinGen allele CA5138826.

ClinVar aggregate classification (germline): Conflicting classifications of pathogenicity. Review status: criteria provided, conflicting classifications (1 of 4 stars). 4 submissions from 4 submitters: Uncertain significance (1); Likely benign (3). Last evaluated 2026-01-19.

Conditions:
Hereditary cancer-predisposing syndrome. Also called: Neoplastic Syndromes, Hereditary; Tumor predisposition; Hereditary Cancer Syndrome; Hereditary neoplastic syndrome. Identifiers: Orphanet 140162, MedGen C0027672, MeSH D009386, MONDO:0015356.
Gorlin syndrome. Also called: Nevoid Basal Cell Carcinoma Syndrome; Basal cell nevus syndrome. Identifiers: Orphanet 377, MedGen C0004779, MONDO:0007187.
PTCH1-related disorder. Also called: PTCH1-related disorders; PTCH1-related condition.

Allele frequency attached by ClinVar (database versions not stated): ExAC 0.00007; ESP Exome Variant Server 0.00008; gnomAD exomes 0.00009; gnomAD 0.00012; TOPMed 0.00016.
gnomAD v4.1: 75 of 1,611,348 alleles (0.0047%); highest among the groups gnomAD compares: Admixed American, 0.059%; 1 homozygote.

Submissions (4):

Labcorp Genetics (formerly Invitae), Labcorp
Classification: Likely benign for Gorlin syndrome. Last evaluated: 2026-01-19. Review status: criteria provided, single submitter. Criteria: Invitae Variant Classification Sherloc (09022015). Collection method: clinical testing. Allele origin: germline.

PreventionGenetics, part of Exact Sciences
Classification: Likely benign for PTCH1-related condition. Last evaluated: 2025-06-28. Review status: criteria provided, single submitter. Criteria: ACMG Guidelines, 2015. Collection method: clinical testing. Allele origin: germline.
Comment: This variant is classified as likely benign based on ACMG/AMP sequence variant interpretation guidelines (Richards et al. 2015 PMID: 25741868, with internal and published modifications).

GeneDx
Classification: Uncertain significance. Last evaluated: 2022-11-28. Review status: criteria provided, single submitter. Criteria: GeneDx Variant Classification Process June 2021. Collection method: clinical testing. Allele origin: germline. Affected: yes.
Comment: In silico analysis supports that this missense variant has a deleterious effect on protein structure/function; Observed in an individual with endometrial cancer who also harbored a pathogenic MSH6 variant (Ferrer-Avargues et al., 2021); Missense variant in a gene in which most reported pathogenic variants are truncating/loss-of-function; This variant is associated with the following publications: (PMID: 32409749, 28690523, 34094900, 33630411)

Ambry Genetics
Classification: Likely benign for Hereditary cancer-predisposing syndrome. Last evaluated: 2020-08-26. Review status: criteria provided, single submitter. Criteria: Ambry Variant Classification Scheme 2023. Collection method: clinical testing. Allele origin: germline.

Literature cited by the submitters: PubMed 28690523 (cited by Ambry Genetics).